The following is an entry in ClinVar:

ClinVar aggregate classification (germline): Uncertain significance. Review status: criteria provided, multiple submitters, no conflicts (2 of 4 stars). 6 submissions from 6 submitters: Uncertain significance (5). 1 of the submissions does not count toward it. Last evaluated 2024-04-12.

Conditions:
Inborn genetic diseases. Identifiers: MedGen C0950123, MeSH D030342.
Autosomal recessive limb-girdle muscular dystrophy type 2C (LGMDR5). Also called: MUSCULAR DYSTROPHY, DUCHENNE-LIKE; MUSCULAR DYSTROPHY, LIMB-GIRDLE, AUTOSOMAL RECESSIVE 5. Identifiers: Orphanet 353, MedGen C0410173, MONDO:0009677, OMIM 253700. Disease mechanism: Affects gamma-sarcoglycan and also disrupts the integrity of the entire sarcoglycan complex..
Sarcoglycanopathy. Identifiers: Orphanet 207052, MedGen C2936331, MONDO:0016140.

Allele frequency attached by ClinVar (database versions not stated): gnomAD 0.00001 and 0.00002; gnomAD exomes 0.00001 and 0.00004; ExAC 0.00002; TOPMed 0.00004.
gnomAD v4.1: 23 of 1,614,184 alleles (0.0014%); highest among the groups gnomAD compares: East Asian, 0.013%; no homozygotes.

Submissions (6):

Revvity Omics, Revvity
Classification: Uncertain significance for Autosomal recessive limb-girdle muscular dystrophy type 2C. Last evaluated: 2024-04-12. Review status: criteria provided, single submitter. Criteria: ACMG Guidelines, 2015. Collection method: clinical testing. Allele origin: germline.

Women's Health and Genetics/Laboratory Corporation of America, LabCorp
Classification: Uncertain significance. Last evaluated: 2023-12-13. Review status: criteria provided, single submitter. Criteria: LabCorp Variant Classification Summary - May 2015. Collection method: clinical testing. Allele origin: germline.

Labcorp Genetics (formerly Invitae), Labcorp
Classification: Uncertain significance for Autosomal recessive limb-girdle muscular dystrophy type 2C. Last evaluated: 2022-09-13. Review status: criteria provided, single submitter. Criteria: Invitae Variant Classification Sherloc (09022015). Collection method: clinical testing. Allele origin: germline.
Comment: This sequence change replaces leucine, which is neutral and non-polar, with phenylalanine, which is neutral and non-polar, at codon 235 of the SGCG protein (p.Leu235Phe). This variant is present in population databases (rs763780768, gnomAD 0.03%). This variant has not been reported in the literature in individuals affected with SGCG-related conditions. ClinVar contains an entry for this variant (Variation ID: 311481). Algorithms developed to predict the effect of missense changes on protein structure and function are either unavailable or do not agree on the potential impact of this missense change (SIFT: "Deleterious"; PolyPhen-2: "Probably Damaging"; Align-GVGD: "Class C0"). In summary, the available evidence is currently insufficient to determine the role of this variant in disease. Therefore, it has been classified as a Variant of Uncertain Significance.

Ambry Genetics
Classification: Uncertain significance for Inborn genetic diseases. Last evaluated: 2022-09-07. Review status: criteria provided, single submitter. Criteria: Ambry Variant Classification Scheme 2023. Collection method: clinical testing. Allele origin: germline.

Illumina Laboratory Services, Illumina
Classification: Uncertain significance for Sarcoglycanopathy. Last evaluated: 2018-01-12. Review status: criteria provided, single submitter. Criteria: ICSL Variant Classification Criteria 13 December 2019. Collection method: clinical testing. Allele origin: germline.

Natera, Inc.
Classification: Uncertain significance for Limb-girdle muscular dystrophy type 2C. Last evaluated: 2019-11-11. Review status: no assertion criteria provided. Collection method: clinical testing. Allele origin: germline. Not counted in ClinVar's aggregate classification.

NM_000231.3(SGCG):c.703C>T (p.Leu235Phe)

Gene: SGCG (sarcoglycan gamma; plus strand). Cytogenetic location: 13q12.12.
Variant type: single nucleotide variant.
Coding change: c.703C>T on transcript NM_000231.3 (MANE Select); coding-DNA position 703, C replaced by T.
Protein change: p.Leu235Phe; replaces leucine 235 with phenylalanine.
Molecular consequence: missense variant.
Genome position (GRCh38, 1-based): chr13:23,324,368, C>T. VCF-style: chr13-23324368-C-T. GRCh37 (hg19) VCF-style: chr13-23898507-C-T.
Other names: c.757C>T, p.Leu253Phe (NM_001378244.1); c.703C>T, p.Leu235Phe (NM_001378245.1, NM_001378246.1); short protein forms L235F, L253F.
Identifiers: ClinVar variation 311481 (VCV000311481.15), dbSNP rs763780768, ClinGen allele CA6909832.
Genomic context (GRCh38, chr13:23,324,368, plus strand): 5'-TTTGCTGCTGACCAGGGTGGCCCTTCCTTAACTCTTCGTCTCTCATCTTCTCCCAACCAG[C>T]TTGTGCTTGATGCTGAAACTGTGTGCTTACCCAAGCTGGTGCAGGGGACGTGGGGTCCCT-3'
Protein context (NP_000222.2, residues 225-245): DILFHSSDGM[Leu235Phe]VLDAETVCLP